The following is an entry in ClinVar:

ClinVar aggregate classification (germline): Uncertain significance (1 of 4 stars; one submission).

Submission:

Labcorp Genetics (formerly Invitae), Labcorp
Classification: Uncertain significance. Last evaluated: 2025-02-20. Review status: criteria provided, single submitter. Criteria: Invitae Variant Classification Sherloc (09022015). Collection method: clinical testing. Allele origin: germline.
Comment: This sequence change replaces proline, which is neutral and non-polar, with leucine, which is neutral and non-polar, at codon 535 of the COL2A1 protein (p.Pro535Leu). This variant is not present in population databases (gnomAD no frequency). This variant has not been reported in the literature in individuals affected with COL2A1-related conditions. Invitae Evidence Modeling of protein sequence and biophysical properties (such as structural, functional, and spatial information, amino acid conservation, physicochemical variation, residue mobility, and thermodynamic stability) indicates that this missense variant is not expected to disrupt COL2A1 protein function with a negative predictive value of 95%. In summary, the available evidence is currently insufficient to determine the role of this variant in disease. Therefore, it has been classified as a Variant of Uncertain Significance.

NM_001844.5(COL2A1):c.1604C>T (p.Pro535Leu)

Gene: COL2A1 (collagen type II alpha 1 chain; minus strand). Cytogenetic location: 12q13.11.
Variant type: single nucleotide variant.
Coding change: c.1604C>T on transcript NM_001844.5 (MANE Select); coding-DNA position 1604, C replaced by T.
Protein change: p.Pro535Leu; replaces proline 535 with leucine.
Molecular consequence: missense variant.
Genome position (GRCh38, 1-based): chr12:47,985,804, G>A on the plus strand (C>T on the coding strand, the complement: COL2A1 is on the minus strand). VCF-style: chr12-47985804-G-A. GRCh37 (hg19) VCF-style: chr12-48379587-G-A.
Other names: c.1397C>T, p.Pro466Leu (NM_033150.3); short protein forms P466L, P535L.
Identifiers: ClinVar variation 4707963 (VCV004707963.1).